The following is an entry in ClinVar:

NM_004839.4(HOMER2):c.77C>T (p.Pro26Leu)

Gene: HOMER2 (homer scaffold protein 2; minus strand). Cytogenetic location: 15q25.2.
Variant type: single nucleotide variant.
Coding change: c.77C>T on transcript NM_004839.4 (MANE Select); coding-DNA position 77, C replaced by T.
Protein change: p.Pro26Leu; replaces proline 26 with leucine.
Molecular consequence: missense variant.
Genome position (GRCh38, 1-based): chr15:82,892,770, G>A on the plus strand (C>T on the coding strand, the complement: HOMER2 is on the minus strand). VCF-style: chr15-82892770-G-A. GRCh37 (hg19) VCF-style: chr15-83561522-G-A.
Other names: c.77C>T, p.Pro26Leu (NM_199330.3); short protein forms P26L.
Identifiers: ClinVar variation 2467102 (VCV002467102.5), dbSNP rs115093120, ClinGen allele CA7702282.

ClinVar aggregate classification (germline): Uncertain significance. Review status: criteria provided, multiple submitters, no conflicts (2 of 4 stars). 2 submissions from 2 submitters: Uncertain significance (2). Last evaluated 2025-09-28.

Conditions:
Inborn genetic diseases. Identifiers: MedGen C0950123, MeSH D030342.

Allele frequency attached by ClinVar (database versions not stated): ExAC 0.00008; 1000 Genomes Project 0.00020; 1000 Genomes Project 30x 0.00031; ESP Exome Variant Server 0.00040.
gnomAD v4.1: 60 of 1,607,214 alleles (0.0037%); highest among the groups gnomAD compares: African/African-American, 0.065%; no homozygotes.

Submissions (2):

Ambry Genetics
Classification: Uncertain significance for Inborn genetic diseases. Last evaluated: 2025-09-28. Review status: criteria provided, single submitter. Criteria: Ambry Variant Classification Scheme 2023. Collection method: clinical testing. Allele origin: germline.

Labcorp Genetics (formerly Invitae), Labcorp
Classification: Uncertain significance. Last evaluated: 2024-08-15. Review status: criteria provided, single submitter. Criteria: Invitae Variant Classification Sherloc (09022015). Collection method: clinical testing. Allele origin: germline.
Comment: This sequence change replaces proline, which is neutral and non-polar, with leucine, which is neutral and non-polar, at codon 26 of the HOMER2 protein (p.Pro26Leu). This variant is present in population databases (rs115093120, gnomAD 0.07%), and has an allele count higher than expected for a pathogenic variant. This variant has not been reported in the literature in individuals affected with HOMER2-related conditions. ClinVar contains an entry for this variant (Variation ID: 2467102). An algorithm developed to predict the effect of missense changes on protein structure and function (PolyPhen-2) suggests that this variant is likely to be disruptive. In summary, the available evidence is currently insufficient to determine the role of this variant in disease. Therefore, it has been classified as a Variant of Uncertain Significance.